The following is an entry in ClinVar:

NM_025137.4(SPG11):c.5866+5G>A

Gene: SPG11 (SPG11 vesicle trafficking associated, spatacsin; minus strand). Cytogenetic location: 15q21.1.
Variant type: single nucleotide variant.
Coding change: c.5866+5G>A on transcript NM_025137.4 (MANE Select); 5 bases into the intron after coding-DNA position 5866, G replaced by A.
Molecular consequence: intron variant.
Genome position (GRCh38, 1-based): chr15:44,583,809, C>T on the plus strand (G>A on the coding strand, the complement: SPG11 is on the minus strand). VCF-style: chr15-44583809-C-T. GRCh37 (hg19) VCF-style: chr15-44876007-C-T.
Other names: c.5866+5G>A (NM_001160227.2).
Identifiers: ClinVar variation 1413719 (VCV001413719.3), dbSNP rs1256036525, ClinGen allele CA713067638.

ClinVar aggregate classification (germline): Uncertain significance (1 of 4 stars; one submission).

Conditions:
Hereditary spastic paraplegia 11. Also called: SPASTIC PARAPLEGIA, AUTOSOMAL RECESSIVE, COMPLICATED, WITH THIN CORPUS CALLOSUM; SPASTIC PARAPLEGIA, AUTOSOMAL RECESSIVE, WITH MENTAL IMPAIRMENT AND THIN CORPUS CALLOSUM; Nakamura Osame syndrome; Autosomal recessive hereditary spastic paraplegia, mental impairment, and thin corpus callosum; Spastic paraplegia, mental retardation and thin corpus callosum; Spastic Paraplegia 11. Identifiers: Orphanet 2822, MedGen C1858479, MONDO:0011445, OMIM 604360.

Allele frequency attached by ClinVar (database versions not stated): TOPMed below 0.00001.

Submission:

Labcorp Genetics (formerly Invitae), Labcorp
Classification: Uncertain significance for Hereditary spastic paraplegia 11. Last evaluated: 2021-10-13. Review status: criteria provided, single submitter. Criteria: Invitae Variant Classification Sherloc (09022015). Collection method: clinical testing. Allele origin: germline.
Comment: This sequence change falls in intron 30 of the SPG11 gene. It does not directly change the encoded amino acid sequence of the SPG11 protein. It affects a nucleotide within the consensus splice site. This variant is not present in population databases (ExAC no frequency). This variant has not been reported in the literature in individuals affected with SPG11-related conditions. Variants that disrupt the consensus splice site are a relatively common cause of aberrant splicing (PMID: 17576681, 9536098). Algorithms developed to predict the effect of sequence changes on RNA splicing suggest that this variant may disrupt the consensus splice site. In summary, the available evidence is currently insufficient to determine the role of this variant in disease. Therefore, it has been classified as a Variant of Uncertain Significance.

Literature cited by the submitters: PubMed 17576681; PubMed 9536098.